The following is an entry in ClinVar:

NM_001282531.3(ADNP):c.1588C>A (p.His530Asn)

Gene: ADNP (activity dependent neuroprotector homeobox; minus strand). Cytogenetic location: 20q13.13.
Variant type: single nucleotide variant.
Coding change: c.1588C>A on transcript NM_001282531.3 (MANE Select); coding-DNA position 1588, C replaced by A.
Protein change: p.His530Asn; replaces histidine 530 with asparagine.
Molecular consequence: missense variant.
Genome position (GRCh38, 1-based): chr20:50,893,126, G>T on the plus strand (C>A on the coding strand, the complement: ADNP is on the minus strand). VCF-style: chr20-50893126-G-T. GRCh37 (hg19) VCF-style: chr20-49509663-G-T.
Other names: c.1588C>A, p.His530Asn (NM_001282532.2, NM_001347511.2, NM_015339.5 and 1 more transcripts); short protein forms H530N.
Identifiers: ClinVar variation 1723532 (VCV001723532.2), dbSNP rs2515584144, ClinGen allele CA408972982.
Genomic context (GRCh38, chr20:50,893,126, plus strand): 5'-AACTCAAAGTAGAATCTGTTTTAGGTCCCATCTCTTCATCAATGTGAACCATCCGCATGT[G>T]TGCGGCCATCTTTTCCACATCATTGAAAGTTGAACGGCAATATGGACAAGACAGACCATG-3'
Protein context (NP_001269460.1, residues 520-540): TFNDVEKMAA[His530Asn]MRMVHIDEEM

ClinVar aggregate classification (germline): Uncertain significance (1 of 4 stars; one submission).

Submission:

GeneDx
Classification: Uncertain significance. Last evaluated: 2022-05-11. Review status: criteria provided, single submitter. Criteria: GeneDx Variant Classification Process June 2021. Collection method: clinical testing. Allele origin: germline. Affected: yes.
Comment: Not observed at significant frequency in large population cohorts (gnomAD); In silico analysis supports that this missense variant has a deleterious effect on protein structure/function; Has not been previously published as pathogenic or benign to our knowledge